The following is an entry in ClinVar:

NM_001369.3(DNAH5):c.12587A>G (p.Gln4196Arg)

Gene: DNAH5 (dynein axonemal heavy chain 5; minus strand). Cytogenetic location: 5p15.2.
Variant type: single nucleotide variant.
Coding change: c.12587A>G on transcript NM_001369.3 (MANE Select); coding-DNA position 12587, A replaced by G.
Protein change: p.Gln4196Arg; replaces glutamine 4196 with arginine.
Molecular consequence: missense variant.
Genome position (GRCh38, 1-based): chr5:13,717,433, T>C on the plus strand (A>G on the coding strand, the complement: DNAH5 is on the minus strand). VCF-style: chr5-13717433-T-C. GRCh37 (hg19) VCF-style: chr5-13717542-T-C.
Other names: short protein forms Q4196R.
Identifiers: ClinVar variation 2153135 (VCV002153135.3), dbSNP rs2546512469, ClinGen allele CA359207605.

ClinVar aggregate classification (germline): Uncertain significance (1 of 4 stars; one submission).

Conditions:
Primary ciliary dyskinesia. Also called: Ciliary dyskinesia. Identifiers: Orphanet 244, MedGen C0008780, MONDO:0016575, HP:0012265.

Submission:

Labcorp Genetics (formerly Invitae), Labcorp
Classification: Uncertain significance for Primary ciliary dyskinesia. Last evaluated: 2026-01-12. Review status: criteria provided, single submitter. Criteria: Invitae Variant Classification Sherloc (09022015). Collection method: clinical testing. Allele origin: germline.
Comment: This sequence change replaces glutamine, which is neutral and polar, with arginine, which is basic and polar, at codon 4196 of the DNAH5 protein (p.Gln4196Arg). This variant is not present in population databases (gnomAD no frequency). This variant has not been reported in the literature in individuals affected with DNAH5-related conditions. ClinVar contains an entry for this variant (Variation ID: 2153135). Invitae Evidence Modeling of protein sequence and biophysical properties (such as structural, functional, and spatial information, amino acid conservation, physicochemical variation, residue mobility, and thermodynamic stability) indicates that this missense variant is not expected to disrupt DNAH5 protein function with a negative predictive value of 95%. In summary, the available evidence is currently insufficient to determine the role of this variant in disease. Therefore, it has been classified as a Variant of Uncertain Significance.